The following is an entry in ClinVar:

ClinVar aggregate classification (germline): Benign. Review status: criteria provided, single submitter (1 of 4 stars). 2 submissions from 2 submitters: Benign (1). 1 of the submissions does not count toward it. Last evaluated 2018-05-14.

Conditions:
CACNA1I-related disorder. Also called: CACNA1I-related condition.

Allele frequency attached by ClinVar (database versions not stated): gnomAD exomes 0.00080 and 0.00116; ExAC 0.00253; ESP Exome Variant Server 0.00279; gnomAD 0.00374 and 0.00407; 1000 Genomes Project 0.00439; TOPMed 0.00446; 1000 Genomes Project 30x 0.00531.
gnomAD v4.1: 1,734 of 1,577,444 alleles (0.11%); highest among the groups gnomAD compares: African/African-American, 1.2%; 7 homozygotes.

Submissions (2):

Labcorp Genetics (formerly Invitae), Labcorp
Classification: Benign. Last evaluated: 2018-05-14. Review status: criteria provided, single submitter. Criteria: Invitae Variant Classification Sherloc (09022015). Collection method: clinical testing. Allele origin: germline.

PreventionGenetics, part of Exact Sciences
Classification: Benign for CACNA1I-related condition. Last evaluated: 2019-03-01. Review status: no assertion criteria provided. Collection method: clinical testing. Allele origin: germline. Not counted in ClinVar's aggregate classification.
Comment: This variant is classified as benign based on ACMG/AMP sequence variant interpretation guidelines (Richards et al. 2015 PMID: 25741868, with internal and published modifications).

NM_021096.4(CACNA1I):c.5056-5C>T

Gene: CACNA1I (calcium voltage-gated channel subunit alpha1 I; plus strand). Cytogenetic location: 22q13.1.
Variant type: single nucleotide variant.
Coding change: c.5056-5C>T on transcript NM_021096.4 (MANE Select); 5 bases into the intron before coding-DNA position 5056, C replaced by T.
Molecular consequence: intron variant.
Genome position (GRCh38, 1-based): chr22:39,679,102, C>T. VCF-style: chr22-39679102-C-T. GRCh37 (hg19) VCF-style: chr22-40075107-C-T.
Other names: c.4951-5C>T (NM_001003406.2).
Identifiers: ClinVar variation 709525 (VCV000709525.5), dbSNP rs146526127, ClinGen allele CA10244909.